The following is an entry in ClinVar:

NM_000051.4(ATM):c.3395G>A (p.Arg1132Lys)

Gene: ATM (ATM serine/threonine kinase; plus strand). Cytogenetic location: 11q22.3.
Variant type: single nucleotide variant.
Coding change: c.3395G>A on transcript NM_000051.4 (MANE Select); coding-DNA position 3395, G replaced by A.
Protein change: p.Arg1132Lys; replaces arginine 1132 with lysine.
Molecular consequence: missense variant.
Genome position (GRCh38, 1-based): chr11:108,279,601, G>A. VCF-style: chr11-108279601-G-A. GRCh37 (hg19) VCF-style: chr11-108150328-G-A.
Other names: c.3395G>A, p.Arg1132Lys (NM_001351834.2); short protein forms R1132K.
Identifiers: ClinVar variation 1163345 (VCV001163345.9), dbSNP rs2135645575, ClinGen allele CA382517841.
Genomic context (GRCh38, chr11:108,279,601, plus strand): 5'-CTTTGAAGCTTCAGCAAACAGCTTTTGAAAATGCATACTTGAAAGCTCAGGAAGGAATGA[G>A]AGAAATGGTAATTTTAAGTAACATGTATTTGCTGTTATCATATGCTTGCTATGAATATCC-3'
Protein context (NP_000042.3, residues 1122-1142): NAYLKAQEGM[Arg1132Lys]EMSHSAENPE

ClinVar aggregate classification (germline): Uncertain significance. Review status: criteria provided, multiple submitters, no conflicts (2 of 4 stars). 2 submissions from 2 submitters: Uncertain significance (2). Last evaluated 2022-05-31.

Conditions:
Ataxia-telangiectasia syndrome (AT). Also called: Ataxia-telangiectasia, complementation group D; AT, COMPLEMENTATION GROUP C; ATAXIA-TELANGIECTASIA, COMPLEMENTATION GROUP A; ATAXIA-TELANGIECTASIA, FRESNO VARIANT; Cerebello-oculocutaneous telangiectasia; Immunodeficiency with ataxia telangiectasia. Identifiers: Orphanet 100, MedGen C0004135, MONDO:0008840, OMIM 208900.

Submissions (2):

Labcorp Genetics (formerly Invitae), Labcorp
Classification: Uncertain significance for Ataxia-telangiectasia syndrome. Last evaluated: 2022-05-31. Review status: criteria provided, single submitter. Criteria: Invitae Variant Classification Sherloc (09022015). Collection method: clinical testing. Allele origin: germline.
Comment: ClinVar contains an entry for this variant (Variation ID: 1163345). This variant has not been reported in the literature in individuals affected with ATM-related conditions. This variant is not present in population databases (gnomAD no frequency). This sequence change replaces arginine, which is basic and polar, with lysine, which is basic and polar, at codon 1132 of the ATM protein (p.Arg1132Lys). Advanced modeling of protein sequence and biophysical properties (such as structural, functional, and spatial information, amino acid conservation, physicochemical variation, residue mobility, and thermodynamic stability) performed at Invitae indicates that this missense variant is not expected to disrupt ATM protein function. In summary, the available evidence is currently insufficient to determine the role of this variant in disease. Therefore, it has been classified as a Variant of Uncertain Significance.

Mayo Clinic Laboratories, Mayo Clinic
Classification: Uncertain significance. Last evaluated: 2020-11-19. Review status: criteria provided, single submitter. Criteria: ACMG Guidelines, 2015. Collection method: clinical testing. Allele origin: germline. Observed: 1 variant allele.